The following is an entry in ClinVar:

NM_000287.4(PEX6):c.2080dup (p.Val694fs)

Gene: PEX6 (peroxisomal biogenesis factor 6; minus strand). Cytogenetic location: 6p21.1.
Variant type: Duplication.
Coding change: c.2080dup on transcript NM_000287.4 (MANE Select); coding-DNA position 2080, one base duplicated (G; older notation c.2080dupG).
Protein change: p.Val694fs; shifts the reading frame from valine 694.
Molecular consequence: frameshift variant. On other transcripts: non-coding transcript variant (1).
Genome position (GRCh38, 1-based): chr6:42,966,539, C duplicated on the plus strand (G on the coding strand, the reverse complement: PEX6 is on the minus strand). VCF-style (leftmost placement, unchanged base first): chr6-42966538-A-AC. GRCh37 (hg19) VCF-style: chr6-42934276-A-AC.
Other names: c.1816dup, p.Val606fs (NM_001316313.2); short protein forms V606fs, V694fs.
Identifiers: ClinVar variation 5011821 (VCV005011821.1).

ClinVar aggregate classification (germline): Pathogenic (1 of 4 stars; one submission).

Conditions:
Peroxisome biogenesis disorder. Identifiers: Orphanet 79189, MedGen C1832200, MONDO:0019234. Disease mechanism: loss of function.

Submission:

Myriad Genetics, Inc.
Classification: Pathogenic for Peroxisome biogenesis disorder. Last evaluated: 2023-09-27. Review status: criteria provided, single submitter. Criteria: Myriad Autosomal Dominant, Autosomal Recessive and X-Linked Classification Criteria (2023). Collection method: clinical testing. Allele origin: unknown.
Comment: NM_000287.3(PEX6):c.2080dupG(V694Gfs*13) is expected to be pathogenic in the context of peroxisome biogenesis disorder type 4. This variant is predicted to lead to an abnormal or absent protein product due to the creation of a premature termination codon in PEX6, a gene where loss-of-function variants are known to be pathogenic. Please note: this variant was assessed in the context of healthy population screening.